The following is an entry in ClinVar:

ClinVar aggregate classification (germline): Uncertain significance (1 of 4 stars; one submission).

gnomAD v4.1: 1 of 1,495,726 alleles (0.000067%); no homozygotes.

Submission:

Labcorp Genetics (formerly Invitae), Labcorp
Classification: Uncertain significance. Last evaluated: 2025-03-17. Review status: criteria provided, single submitter. Criteria: Invitae Variant Classification Sherloc (09022015). Collection method: clinical testing. Allele origin: germline.
Comment: This sequence change replaces arginine, which is basic and polar, with tryptophan, which is neutral and slightly polar, at codon 24 of the IMPDH1 protein (p.Arg24Trp). This variant is not present in population databases (gnomAD no frequency). This missense change has been observed in individual(s) with retinitis pigmentosa (internal data). ClinVar contains an entry for this variant (Variation ID: 1719207). An algorithm developed to predict the effect of missense changes on protein structure and function (PolyPhen-2) suggests that this variant is likely to be disruptive. This variant disrupts the p.Arg24 amino acid residue in IMPDH1. Other variant(s) that disrupt this residue have been observed in individuals with IMPDH1-related conditions (PMID: 32531858; internal data), which suggests that this may be a clinically significant amino acid residue. In summary, the available evidence is currently insufficient to determine the role of this variant in disease. Therefore, it has been classified as a Variant of Uncertain Significance.

Literature cited by the submitters: PubMed 32531858.

NM_000883.4(IMPDH1):c.70C>T (p.Arg24Trp)

Genes: IMPDH1 (inosine monophosphate dehydrogenase 1; minus strand), LOC129999258 (ATAC-STARR-seq lymphoblastoid silent region 18606; plus strand). Cytogenetic location: 7q32.1.
Variant type: single nucleotide variant.
Coding change: c.70C>T on transcript NM_000883.4 (MANE Select); coding-DNA position 70, C replaced by T.
Protein change: p.Arg24Trp; replaces arginine 24 with tryptophan.
Molecular consequence: missense variant.
Genome position (GRCh38, 1-based): chr7:128,409,832, G>A on the plus strand (C>T on the coding strand, the complement: IMPDH1 is on the minus strand). VCF-style: chr7-128409832-G-A. GRCh37 (hg19) VCF-style: chr7-128049886-G-A.
Other names: c.70C>T, p.Arg24Trp (NM_001102605.2, NM_001142576.2, NM_001304521.2 and 1 more transcripts); short protein forms R24W.
Identifiers: ClinVar variation 1719207 (VCV001719207.6), dbSNP rs1352187576, ClinGen allele CA369182192.
Genomic context (GRCh38, chr7:128,409,832, plus strand): 5'-CGGCCTGCAGCAGTCGGGCGCTGTACCGCTGCGCCGCCGTCTCGTGTCCCGGGTGTTGCC[G>A]GGCTCCGGGCTCCGGAACAGCGGCGGCTCCGCCTCCCTGCAGCGGTGGTGGAGTGAGTGG-3'
Protein context (NP_000874.2, residues 14-34): GAAAVPEPGA[Arg24Trp]QHPGHETAAQ